The following is an entry in ClinVar:

ClinVar aggregate classification (germline): Likely benign (1 of 4 stars; one submission).

gnomAD v4.1: 83 of 1,438,986 alleles (0.0058%); highest among the groups gnomAD compares: South Asian, 0.13%; 1 homozygote.

Submission:

CeGaT Center for Human Genetics Tuebingen
Classification: Likely benign. Last evaluated: 2026-01-01. Review status: criteria provided, single submitter. Criteria: CeGaT Center For Human Genetics Tuebingen Variant Classification Criteria Version 2. Collection method: clinical testing. Allele origin: germline. Affected: yes. Observed: 1 variant allele.
Comment: CDK8: BP4, BP7

NM_001260.3(CDK8):c.189A>G (p.Ala63=)

Gene: CDK8 (cyclin dependent kinase 8; plus strand). Cytogenetic location: 13q12.13.
Variant type: single nucleotide variant.
Coding change: c.189A>G on transcript NM_001260.3 (MANE Select); coding-DNA position 189, A replaced by G.
Protein change: p.Ala63=; no amino-acid change (alanine 63 retained).
Molecular consequence: synonymous variant. On other transcripts: 5 prime UTR variant (1).
Genome position (GRCh38, 1-based): chr13:26,337,627, A>G. VCF-style: chr13-26337627-A-G. GRCh37 (hg19) VCF-style: chr13-26911764-A-G.
Other names: c.189A>G, p.Ala63= (NM_001318368.2); c.-273A>G (NM_001346501.2).
Identifiers: ClinVar variation 4821994 (VCV004821994.4).